The following is an entry in ClinVar:

ClinVar aggregate classification (germline): Conflicting classifications of pathogenicity. Review status: criteria provided, conflicting classifications (1 of 4 stars). 9 submissions from 8 submitters: Pathogenic (6); Uncertain significance (1). 2 of the submissions do not count toward it. Last evaluated 2026-06-25.

Conditions:
Fraser syndrome 2 (FRASRS2). Identifiers: MedGen C4540036, MONDO:0054738, OMIM 617666.
FREM2-related disorder. Also called: FREM2-related condition.
Isolated cryptophthalmia. Also called: ANKYLOBLEPHARON, SIMPLE; Cryptophthalmos, unilateral or bilateral, isolated. Identifiers: Orphanet 91396, MedGen C1852453, MONDO:0007410, OMIM 123570.
FREM2-related disorders.

Allele frequency attached by ClinVar (database versions not stated): gnomAD 0.00003; TOPMed 0.00003.
gnomAD v4.1: 33 of 1,613,856 alleles (0.002%); highest among the groups gnomAD compares: East Asian, 0.031%; no homozygotes.

Submissions (9):

PreventionGenetics, part of Exact Sciences
Classification: Pathogenic for FREM2-related condition. Last evaluated: 2026-06-25. Review status: criteria provided, single submitter. Criteria: ACMG Guidelines, 2015. Collection method: clinical testing. Allele origin: germline.
Comment: The FREM2 c.6499C>T variant is predicted to result in the amino acid substitution p.Arg2167Trp. This variant was reported in multiple individuals with cryptophthalmos (Table S1, Liu et al. 2022. PubMed ID: 36549658; Zhang et al. 2019. PubMed ID: 30802441; Yu et al. 2018. PubMed ID: 29688405). This variant was reported in another individual with cryptophthalmos, dental anomalies, and oral vestibule defect (Kantaputra et al. 2021. PubMed ID: 34408272). This variant is reported in 0.044% of alleles in individuals of East Asian descent in gnomAD. This variant is interpreted as pathogenic.

Labcorp Genetics (formerly Invitae), Labcorp
Classification: Pathogenic. Last evaluated: 2026-01-26. Review status: criteria provided, single submitter. Criteria: Invitae Variant Classification Sherloc (09022015). Collection method: clinical testing. Allele origin: germline.
Comment: This sequence change replaces arginine, which is basic and polar, with tryptophan, which is neutral and slightly polar, at codon 2167 of the FREM2 protein (p.Arg2167Trp). This variant is present in population databases (rs114837786, gnomAD 0.05%). This missense change has been observed in individual(s) with cryptophthalmos (PMID: 29688405, 30802441). In at least one individual the data is consistent with being in trans (on the opposite chromosome) from a pathogenic variant. ClinVar contains an entry for this variant (Variation ID: 284704). Invitae Evidence Modeling of protein sequence and biophysical properties (such as structural, functional, and spatial information, amino acid conservation, physicochemical variation, residue mobility, and thermodynamic stability) indicates that this missense variant is not expected to disrupt FREM2 protein function with a negative predictive value of 80%. Experimental studies have shown that this missense change affects FREM2 function (PMID: 29688405, 30802441). For these reasons, this variant has been classified as Pathogenic.

Variantyx, Inc.
Classification: Pathogenic for Isolated cryptophthalmia. Last evaluated: 2025-12-09. Review status: criteria provided, single submitter. Criteria: Variantyx Assertion Criteria 2022. Collection method: clinical testing. Allele origin: germline. Inheritance: Autosomal recessive inheritance. Affected: yes.
Comment: This is a nonsynonymous variant in the FREM2 gene (OMIM: 608945). Pathogenic variants in this gene have been associated with autosomal recessive unilateral or bilateral isolated cryptophthalmos. omputational algorithms produce conflicting evidence regarding the predicted functional impact of this variant (REVEL score: 0.446), but functional studies have shown that this variant alters FREM2 protein function (PMID: 29688405) (PS3). This variant has a 0.0312% maximum allele frequency in non-founder control populations (PM2). C Based on the current evidence, this variant is classified as pathogenic for autosomal recessive unilateral or bilateral isolated cryptophthalmos.

GeneDx
Classification: Pathogenic. Last evaluated: 2025-05-20. Review status: criteria provided, single submitter. Criteria: GeneDx Variant Classification Process June 2021. Collection method: clinical testing. Allele origin: germline. Affected: yes.
Comment: Published functional studies suggest a damaging effect resulting in impaired function of FREM2 in cell adhesion (PMID: 29688405); In silico analysis supports that this missense variant has a deleterious effect on protein structure/function; This variant is associated with the following publications: (PMID: 30802441, 29688405, 34426522, 36549658, 34408272)

Blueprint Genetics
Classification: Pathogenic for FREM2-related disorders. Last evaluated: 2019-12-19. Review status: criteria provided, single submitter. Criteria: ACMG Guidelines, 2015. Collection method: clinical testing. Allele origin: germline. Affected: yes. Observed: 1 variant allele.

Eurofins Ntd Llc (ga)
Classification: Uncertain significance. Last evaluated: 2015-11-25. Review status: criteria provided, single submitter. Criteria: EGL Classification Definitions 2015. Collection method: clinical testing. Allele origin: germline. Observed: 2 variant alleles, 2 heterozygotes.

Juno Genomics, Hangzhou Juno Genomics, Inc
Classification: Pathogenic for Isolated cryptophthalmia; Fraser syndrome 2. Review status: criteria provided, single submitter. Criteria: ACMG Guidelines, 2015. Collection method: clinical testing. Allele origin: germline.
Comment: Absent from controls (or at extremely low frequency if recessive) in Genome Aggregation Database.;For recessive disorders, detected in trans with a pathogenic variant.;Patient's phenotype or family history is highly specific for a disease with a single genetic etiology.

OMIM
Classification: Pathogenic for CRYPTOPHTHALMOS, UNILATERAL OR BILATERAL, ISOLATED. Last evaluated: 2025-04-11. Review status: no assertion criteria provided. Collection method: literature only. Allele origin: germline. Not counted in ClinVar's aggregate classification.

OMIM
Classification: Pathogenic for FRASER SYNDROME 2. Last evaluated: 2025-04-11. Review status: no assertion criteria provided. Collection method: literature only. Allele origin: germline. Not counted in ClinVar's aggregate classification.

Literature cited by the submitters: PubMed 29688405 (cited by 3 submitters); PubMed 30802441 (cited by 3 submitters); PubMed 34408272 (cited by Variantyx, Inc.).

NM_207361.6(FREM2):c.6499C>T (p.Arg2167Trp)

Gene: FREM2 (FRAS1 related extracellular matrix 2; plus strand). Cytogenetic location: 13q13.3.
Variant type: single nucleotide variant.
Coding change: c.6499C>T on transcript NM_207361.6 (MANE Select); coding-DNA position 6499, C replaced by T.
Protein change: p.Arg2167Trp; replaces arginine 2167 with tryptophan.
Molecular consequence: missense variant.
Genome position (GRCh38, 1-based): chr13:38,850,157, C>T. VCF-style: chr13-38850157-C-T. GRCh37 (hg19) VCF-style: chr13-39424294-C-T.
Other names: short protein forms R2167W.
Identifiers: ClinVar variation 284704 (VCV000284704.20), dbSNP rs114837786, ClinGen allele CA6955578.